The following is an entry in ClinVar:

NM_006231.4(POLE):c.3876G>C (p.Arg1292Ser)

Gene: POLE (DNA polymerase epsilon, catalytic subunit; minus strand). Cytogenetic location: 12q24.33.
Variant type: single nucleotide variant.
Coding change: c.3876G>C on transcript NM_006231.4 (MANE Select); coding-DNA position 3876, G replaced by C.
Protein change: p.Arg1292Ser; replaces arginine 1292 with serine.
Molecular consequence: missense variant.
Genome position (GRCh38, 1-based): chr12:132,649,435, C>G on the plus strand (G>C on the coding strand, the complement: POLE is on the minus strand). VCF-style: chr12-132649435-C-G. GRCh37 (hg19) VCF-style: chr12-133226021-C-G.
Other names: short protein forms R1292S.
Identifiers: ClinVar variation 5027100 (VCV005027100.1).
Genomic context (GRCh38, chr12:132,649,435, plus strand): 5'-GGCAGGACCATCCCGGATGGCCCCGGGCCTGAGCACACCCTCTGCCGACTCCAGACGCTG[C>G]CTCTTCCTGCGGGCGAGGCGCTGCCGGGCCTGCAGCTGCCACTTCTTCTTGTGGAACCGG-3'
Protein context (NP_006222.2, residues 1282-1302): QARQRLARRK[Arg1292Ser]QRLESAEGVL

ClinVar aggregate classification (germline): Uncertain significance (1 of 4 stars; one submission).

Conditions:
Hereditary cancer-predisposing syndrome. Also called: Neoplastic Syndromes, Hereditary; Tumor predisposition; Hereditary neoplastic syndrome; Hereditary Cancer Syndrome. Identifiers: Orphanet 140162, MedGen C0027672, MeSH D009386, MONDO:0015356.

gnomAD v4.1: 2 of 1,612,890 alleles (0.00012%); highest among the groups gnomAD compares: Non-Finnish European, 0.00017%; no homozygotes.

Submission:

Ambry Genetics
Classification: Uncertain significance for Hereditary cancer-predisposing syndrome. Last evaluated: 2026-07-28. Review status: criteria provided, single submitter. Criteria: Ambry Variant Classification Scheme 2023. Collection method: clinical testing. Allele origin: germline.
Comment: The p.R1292S variant (also known as c.3876G>C), located in coding exon 31 of the POLE gene, results from a G to C substitution at nucleotide position 3876. The arginine at codon 1292 is replaced by serine, an amino acid with dissimilar properties. This amino acid position is conserved. In addition, this alteration is predicted to be tolerated by in silico analysis. Based on the available evidence, the clinical significance of this variant remains unclear.